The following is an entry in ClinVar:

NM_001189.4(NKX3-2):c.86C>G (p.Ala29Gly)

Gene: NKX3-2 (NK3 homeobox 2; minus strand). Cytogenetic location: 4p15.33.
Variant type: single nucleotide variant.
Coding change: c.86C>G on transcript NM_001189.4 (MANE Select); coding-DNA position 86, C replaced by G.
Protein change: p.Ala29Gly; replaces alanine 29 with glycine.
Molecular consequence: missense variant.
Genome position (GRCh38, 1-based): chr4:13,544,329, G>C on the plus strand (C>G on the coding strand, the complement: NKX3-2 is on the minus strand). VCF-style: chr4-13544329-G-C. GRCh37 (hg19) VCF-style: chr4-13545953-G-C.
Other names: short protein forms A29G.
Identifiers: ClinVar variation 728738 (VCV000728738.12), dbSNP rs577849807, ClinGen allele CA2860494.

ClinVar aggregate classification (germline): Conflicting classifications of pathogenicity. Review status: criteria provided, conflicting classifications (1 of 4 stars). 3 submissions from 3 submitters: Uncertain significance (1); Likely benign (1). 1 of the submissions does not count toward it. Last evaluated 2025-12-01.

Conditions:
NKX3-2-related disorder. Also called: NKX3-2-related condition.
Inborn genetic diseases. Identifiers: MedGen C0950123, MeSH D030342.

Allele frequency attached by ClinVar (database versions not stated): gnomAD below 0.00001 and 0.00031; TOPMed 0.00003; gnomAD exomes 0.00052 and 0.00140; 1000 Genomes Project 30x 0.00250; 1000 Genomes Project 0.00280; ExAC 0.00353.

Submissions (3):

Labcorp Genetics (formerly Invitae), Labcorp
Classification: Likely benign. Last evaluated: 2025-12-01. Review status: criteria provided, single submitter. Criteria: Invitae Variant Classification Sherloc (09022015). Collection method: clinical testing. Allele origin: germline.

Ambry Genetics
Classification: Uncertain significance for Inborn genetic diseases. Last evaluated: 2025-03-08. Review status: criteria provided, single submitter. Criteria: Ambry Variant Classification Scheme 2023. Collection method: clinical testing. Allele origin: germline.

PreventionGenetics, part of Exact Sciences
Classification: Benign for NKX3-2-related condition. Last evaluated: 2019-06-27. Review status: no assertion criteria provided. Collection method: clinical testing. Allele origin: germline. Not counted in ClinVar's aggregate classification.
Comment: This variant is classified as benign based on ACMG/AMP sequence variant interpretation guidelines (Richards et al. 2015 PMID: 25741868, with internal and published modifications).